The following is an entry in ClinVar:

ClinVar aggregate classification (germline): Uncertain significance (1 of 4 stars; one submission).

gnomAD v4.1: 1 of 1,613,082 alleles (0.000062%); highest among the groups gnomAD compares: Non-Finnish European, 0.000085%; no homozygotes.

Submission:

Labcorp Genetics (formerly Invitae), Labcorp
Classification: Uncertain significance. Last evaluated: 2024-09-11. Review status: criteria provided, single submitter. Criteria: Invitae Variant Classification Sherloc (09022015). Collection method: clinical testing. Allele origin: germline.
Comment: This sequence change replaces proline, which is neutral and non-polar, with serine, which is neutral and polar, at codon 1365 of the KMT2E protein (p.Pro1365Ser). This variant is not present in population databases (gnomAD no frequency). This variant has not been reported in the literature in individuals affected with KMT2E-related conditions. Invitae Evidence Modeling of protein sequence and biophysical properties (such as structural, functional, and spatial information, amino acid conservation, physicochemical variation, residue mobility, and thermodynamic stability) indicates that this missense variant is not expected to disrupt KMT2E protein function with a negative predictive value of 80%. In summary, the available evidence is currently insufficient to determine the role of this variant in disease. Therefore, it has been classified as a Variant of Uncertain Significance.

NM_182931.3(KMT2E):c.4093C>T (p.Pro1365Ser)

Gene: KMT2E (lysine methyltransferase 2E (inactive); plus strand). Cytogenetic location: 7q22.3.
Variant type: single nucleotide variant.
Coding change: c.4093C>T on transcript NM_182931.3 (MANE Select); coding-DNA position 4093, C replaced by T.
Protein change: p.Pro1365Ser; replaces proline 1365 with serine.
Molecular consequence: missense variant.
Genome position (GRCh38, 1-based): chr7:105,111,849, C>T. VCF-style: chr7-105111849-C-T. GRCh37 (hg19) VCF-style: chr7-104752296-C-T.
Other names: c.3967C>T, p.Pro1323Ser (NM_001410908.1); c.4093C>T, p.Pro1365Ser (NM_018682.4); short protein forms P1323S, P1365S.
Identifiers: ClinVar variation 3665745 (VCV003665745.2).